The following is an entry in ClinVar:

NM_022114.4(PRDM16):c.2291T>G (p.Val764Gly)

Gene: PRDM16 (PR/SET domain 16; plus strand). Cytogenetic location: 1p36.32.
Variant type: single nucleotide variant.
Coding change: c.2291T>G on transcript NM_022114.4 (MANE Select); coding-DNA position 2291, T replaced by G.
Protein change: p.Val764Gly; replaces valine 764 with glycine.
Molecular consequence: missense variant.
Genome position (GRCh38, 1-based): chr1:3,412,488, T>G. VCF-style: chr1-3412488-T-G. GRCh37 (hg19) VCF-style: chr1-3329052-T-G.
Other names: c.2291T>G, p.Val764Gly (NM_199454.3); short protein forms V764G.
Identifiers: ClinVar variation 2111177 (VCV002111177.4), dbSNP rs2523886700, ClinGen allele CA338000071.

ClinVar aggregate classification (germline): Uncertain significance (1 of 4 stars; one submission).

Conditions:
Left ventricular noncompaction 8 (LVNC8). Identifiers: Orphanet 154, Orphanet 54260, MedGen C3809288, MONDO:0014152, OMIM 615373.

Submission:

Labcorp Genetics (formerly Invitae), Labcorp
Classification: Uncertain significance for Left ventricular noncompaction 8. Last evaluated: 2022-03-17. Review status: criteria provided, single submitter. Criteria: Invitae Variant Classification Sherloc (09022015). Collection method: clinical testing. Allele origin: germline.
Comment: This sequence change replaces valine, which is neutral and non-polar, with glycine, which is neutral and non-polar, at codon 764 of the PRDM16 protein (p.Val764Gly). This variant is not present in population databases (gnomAD no frequency). This variant has not been reported in the literature in individuals affected with PRDM16-related conditions. Algorithms developed to predict the effect of missense changes on protein structure and function output the following: SIFT: "Tolerated"; PolyPhen-2: "Benign"; Align-GVGD: "Class C0". The glycine amino acid residue is found in multiple mammalian species, which suggests that this missense change does not adversely affect protein function. In summary, the available evidence is currently insufficient to determine the role of this variant in disease. Therefore, it has been classified as a Variant of Uncertain Significance.